The following is an entry in ClinVar:

ClinVar aggregate classification (germline): Likely benign (1 of 4 stars; one submission).

gnomAD v4.1: 7 of 1,613,968 alleles (0.00043%); highest among the groups gnomAD compares: South Asian, 0.0044%; no homozygotes.

Submission:

CeGaT Center for Human Genetics Tuebingen
Classification: Likely benign. Last evaluated: 2026-05-01. Review status: criteria provided, single submitter. Criteria: CeGaT Center For Human Genetics Tuebingen Variant Classification Criteria Version 2. Collection method: clinical testing. Allele origin: germline. Affected: yes. Observed: 1 variant allele.
Comment: NIPBL: BP4

NM_133433.4(NIPBL):c.7431G>A (p.Arg2477=)

Gene: NIPBL (NIPBL cohesin loading factor; plus strand). Cytogenetic location: 5p13.2.
Variant type: single nucleotide variant.
Coding change: c.7431G>A on transcript NM_133433.4 (MANE Select); coding-DNA position 7431, G replaced by A.
Protein change: p.Arg2477=; no amino-acid change (arginine 2477 retained).
Molecular consequence: synonymous variant.
Genome position (GRCh38, 1-based): chr5:37,058,911, G>A. VCF-style: chr5-37058911-G-A. GRCh37 (hg19) VCF-style: chr5-37059013-G-A.
Other names: c.7431G>A, p.Arg2477= (NM_001438586.1, NM_015384.5).
Identifiers: ClinVar variation 4872050 (VCV004872050.2).